The following is an entry in ClinVar:

NM_001367805.3(KIF23):c.2419A>G (p.Arg807Gly)

Gene: KIF23 (kinesin family member 23; plus strand). Cytogenetic location: 15q23.
Variant type: single nucleotide variant.
Coding change: c.2419A>G on transcript NM_001367805.3 (MANE Select); coding-DNA position 2419, A replaced by G.
Protein change: p.Arg807Gly; replaces arginine 807 with glycine.
Molecular consequence: missense variant. On other transcripts: non-coding transcript variant (1), intron variant (1).
Genome position (GRCh38, 1-based): chr15:69,441,077, A>G. VCF-style: chr15-69441077-A-G. GRCh37 (hg19) VCF-style: chr15-69733416-A-G.
Other names: c.2067+590A>G (NM_004856.7); c.2047A>G, p.Arg683Gly (NM_001281301.2); c.2377A>G, p.Arg793Gly (NM_001367804.2, NM_138555.4); short protein forms R683G, R793G, R807G.
Identifiers: ClinVar variation 4764171 (VCV004764171.1).

ClinVar aggregate classification (germline): Uncertain significance (1 of 4 stars; one submission).

Submission:

Labcorp Genetics (formerly Invitae), Labcorp
Classification: Uncertain significance. Last evaluated: 2025-11-28. Review status: criteria provided, single submitter. Criteria: Invitae Variant Classification Sherloc (09022015). Collection method: clinical testing. Allele origin: germline.
Comment: This sequence change replaces arginine, which is basic and polar, with glycine, which is neutral and non-polar, at codon 793 of the KIF23 protein (p.Arg793Gly). This variant is not present in population databases (gnomAD no frequency). This variant has not been reported in the literature in individuals affected with KIF23-related conditions. An algorithm developed to predict the effect of missense changes on protein structure and function outputs the following: PolyPhen-2: "Benign". The glycine amino acid residue is found in multiple mammalian species, which suggests that this missense change does not adversely affect protein function. In summary, the available evidence is currently insufficient to determine the role of this variant in disease. Therefore, it has been classified as a Variant of Uncertain Significance.